The following is an entry in ClinVar:

NM_000264.5(PTCH1):c.873C>G (p.Tyr291Ter)

Gene: PTCH1 (patched 1; minus strand). Cytogenetic location: 9q22.32.
Variant type: single nucleotide variant.
Coding change: c.873C>G on transcript NM_000264.5 (MANE Select); coding-DNA position 873, C replaced by G.
Protein change: p.Tyr291Ter; replaces tyrosine 291 with a stop codon.
Molecular consequence: nonsense. On other transcripts: non-coding transcript variant (1).
Genome position (GRCh38, 1-based): chr9:95,480,462, G>C on the plus strand (C>G on the coding strand, the complement: PTCH1 is on the minus strand). VCF-style: chr9-95480462-G-C. GRCh37 (hg19) VCF-style: chr9-98242744-G-C.
Other names: c.675C>G, p.Tyr225Ter (NM_001083602.3); c.870C>G, p.Tyr290Ter (NM_001083603.3); c.420C>G, p.Tyr140Ter (NM_001083604.3, NM_001083605.3, NM_001083606.3 and 1 more transcripts); c.873C>G, p.Tyr291Ter (NM_001354918.2); short protein forms Y225*, Y291*, Y140*, Y290*.
Identifiers: ClinVar variation 581926 (VCV000581926.9), dbSNP rs1564055606, ClinGen allele CA374113925.

ClinVar aggregate classification (germline): Pathogenic (1 of 4 stars; one submission).

Conditions:
Gorlin syndrome. Also called: Basal cell nevus syndrome; Nevoid Basal Cell Carcinoma Syndrome. Identifiers: Orphanet 377, MedGen C0004779, MONDO:0007187.

Submission:

Labcorp Genetics (formerly Invitae), Labcorp
Classification: Pathogenic for Gorlin syndrome. Last evaluated: 2018-01-27. Review status: criteria provided, single submitter. Criteria: Invitae Variant Classification Sherloc (09022015). Collection method: clinical testing. Allele origin: germline.
Comment: For these reasons, this variant has been classified as Pathogenic. Loss-of-function variants in PTCH1 are known to be pathogenic (PMID: 16301862, 16419085). This variant has been reported in individuals affected with basal cell nevus syndrome (BCNS) (PMID: 24204797). This variant is not present in population databases (ExAC no frequency). This sequence change creates a premature translational stop signal (p.Tyr291*) in the PTCH1 gene. It is expected to result in an absent or disrupted protein product.

Literature cited by the submitters: PubMed 16301862; PubMed 16419085; PubMed 24204797.